The following is an entry in ClinVar:

NM_032803.6(SLC7A3):c.147C>T (p.Gly49=)

Gene: SLC7A3 (solute carrier family 7 member 3; minus strand). Cytogenetic location: Xq13.1.
Variant type: single nucleotide variant.
Coding change: c.147C>T on transcript NM_032803.6 (MANE Select); coding-DNA position 147, C replaced by T.
Protein change: p.Gly49=; no amino-acid change (glycine 49 retained).
Molecular consequence: synonymous variant.
Genome position (GRCh38, 1-based): chrX:70,929,851, G>A on the plus strand (C>T on the coding strand, the complement: SLC7A3 is on the minus strand). VCF-style: chrX-70929851-G-A. GRCh37 (hg19) VCF-style: chrX-70149701-G-A.
Other names: c.147C>T, p.Gly49= (NM_001048164.3).
Identifiers: ClinVar variation 2630960 (VCV002630960.1), dbSNP rs368309633, ClinGen allele CA331027994.

ClinVar aggregate classification (germline): Uncertain significance (1 of 4 stars; one submission).

Conditions:
SLC7A3-related disorder. Also called: SLC7A3-related condition.

Allele frequency attached by ClinVar (database versions not stated): gnomAD exomes below 0.00001; TOPMed 0.00001.

Submission:

PreventionGenetics, part of Exact Sciences
Classification: Uncertain significance for SLC7A3-related condition. Last evaluated: 2023-08-24. Review status: criteria provided, single submitter. Criteria: ACMG Guidelines, 2015. Collection method: clinical testing. Allele origin: germline.
Comment: The SLC7A3 c.147C>T variant is not predicted to result in an amino acid change (p.=). To our knowledge, this variant has not been reported in the literature or in a large population database, indicating this variant is rare. At this time, the clinical significance of this variant is uncertain due to the absence of conclusive functional and genetic evidence.